The following is an entry in ClinVar:

ClinVar aggregate classification (germline): Uncertain significance. Review status: criteria provided, multiple submitters, no conflicts (2 of 4 stars). 2 submissions from 2 submitters: Uncertain significance (2). Last evaluated 2025-06-29.

Conditions:
Primary ciliary dyskinesia. Also called: Ciliary dyskinesia. Identifiers: Orphanet 244, MedGen C0008780, MONDO:0016575, HP:0012265.

Allele frequency attached by ClinVar (database versions not stated): TOPMed below 0.00001; gnomAD 0.00001.
gnomAD v4.1: 20 of 1,614,122 alleles (0.0012%); highest among the groups gnomAD compares: Non-Finnish European, 0.0014%; no homozygotes.

Submissions (2):

Ambry Genetics
Classification: Uncertain significance for Primary ciliary dyskinesia. Last evaluated: 2025-06-29. Review status: criteria provided, single submitter. Criteria: Ambry Variant Classification Scheme 2023. Collection method: clinical testing. Allele origin: germline.

Labcorp Genetics (formerly Invitae), Labcorp
Classification: Uncertain significance for Primary ciliary dyskinesia. Last evaluated: 2021-12-05. Review status: criteria provided, single submitter. Criteria: Invitae Variant Classification Sherloc (09022015). Collection method: clinical testing. Allele origin: germline.
Comment: This sequence change replaces glutamic acid, which is acidic and polar, with valine, which is neutral and non-polar, at codon 532 of the DNAAF1 protein (p.Glu532Val). This variant is present in population databases (no rsID available, gnomAD 0.007%). This variant has not been reported in the literature in individuals affected with DNAAF1-related conditions. Algorithms developed to predict the effect of missense changes on protein structure and function are either unavailable or do not agree on the potential impact of this missense change (SIFT: "Deleterious"; PolyPhen-2: "Benign"; Align-GVGD: "Class C0"). Algorithms developed to predict the effect of sequence changes on RNA splicing suggest that this variant may create or strengthen a splice site. In summary, the available evidence is currently insufficient to determine the role of this variant in disease. Therefore, it has been classified as a Variant of Uncertain Significance.

NM_178452.6(DNAAF1):c.1595A>T (p.Glu532Val)

Gene: DNAAF1 (dynein axonemal assembly factor 1; plus strand). Cytogenetic location: 16q24.1.
Variant type: single nucleotide variant.
Coding change: c.1595A>T on transcript NM_178452.6 (MANE Select); coding-DNA position 1595, A replaced by T.
Protein change: p.Glu532Val; replaces glutamic acid 532 with valine.
Molecular consequence: missense variant.
Genome position (GRCh38, 1-based): chr16:84,172,326, A>T. VCF-style: chr16-84172326-A-T. GRCh37 (hg19) VCF-style: chr16-84205932-A-T.
Other names: c.887A>T, p.Glu296Val (NM_001318756.1); c.1595A>T (NM_178452.4); short protein forms E296V, E532V.
Identifiers: ClinVar variation 1409935 (VCV001409935.4), dbSNP rs1170737480, ClinGen allele CA396949131.